The following is an entry in ClinVar:

ClinVar aggregate classification (germline): Uncertain significance (1 of 4 stars; one submission).

Conditions:
Cardiovascular phenotype. Identifiers: MedGen CN230736.

Submission:

Molecular Diagnostic Laboratory for Inherited Cardiovascular Disease, Montreal Heart Institute
Classification: Uncertain significance for Cardiovascular phenotype. Last evaluated: 2026-09-21. Review status: criteria provided, single submitter. Criteria: ACMG Guidelines, 2015. Collection method: clinical testing. Allele origin: germline. Affected: yes.
Comment: PM2, PP2, PP3

NM_170707.4(LMNA):c.620A>C (p.Gln207Pro)

Gene: LMNA (lamin A/C; plus strand). Cytogenetic location: 1q22.
Variant type: single nucleotide variant.
Coding change: c.620A>C on transcript NM_170707.4 (MANE Select); coding-DNA position 620, A replaced by C.
Protein change: p.Gln207Pro; replaces glutamine 207 with proline.
Molecular consequence: missense variant. On other transcripts: 5 prime UTR variant (4).
Genome position (GRCh38, 1-based): chr1:156,134,509, A>C. VCF-style: chr1-156134509-A-C. GRCh37 (hg19) VCF-style: chr1-156104300-A-C.
Other names: c.284A>C, p.Gln95Pro (NM_001257374.3, NM_001406989.1, NM_001406998.1); c.377A>C, p.Gln126Pro (NM_001282624.2, NM_001406986.1, NM_001406987.1); c.620A>C, p.Gln207Pro (NM_001282625.2, NM_001282626.2, NM_001406983.1 and 6 more transcripts); c.323A>C, p.Gln108Pro (NM_001406988.1); c.62A>C, p.Gln21Pro (NM_001406990.1, NM_001406993.1, NM_001406995.1 and 4 more transcripts); c.-45A>C (NM_001406994.1, NM_001406999.1, NM_001407000.1 and 1 more transcripts); short protein forms Q108P, Q126P, Q207P, Q21P, Q95P.
Identifiers: ClinVar variation 5037862 (VCV005037862.1).
Genomic context (GRCh38, chr1:156,134,509, plus strand): 5'-TGCTGCGGCGGGTGGATGCTGAGAACAGGCTGCAGACCATGAAGGAGGAACTGGACTTCC[A>C]GAAGAACATCTACAGTGAGGTGGGGACTGTGCTTTGCAAGCCAGAGGGCTGGGGCTGGGT-3'
Protein context (NP_733821.1, residues 197-217): LQTMKEELDF[Gln207Pro]KNIYSEELRE